The following is an entry in ClinVar:

ClinVar aggregate classification (germline): Uncertain significance (1 of 4 stars; one submission).

Submission:

Labcorp Genetics (formerly Invitae), Labcorp
Classification: Uncertain significance. Last evaluated: 2026-01-13. Review status: criteria provided, single submitter. Criteria: Invitae Variant Classification Sherloc (09022015). Collection method: clinical testing. Allele origin: germline.
Comment: This sequence change replaces leucine, which is neutral and non-polar, with methionine, which is neutral and non-polar, at codon 485 of the EMC1 protein (p.Leu485Met). This variant is not present in population databases (gnomAD no frequency). This variant has not been reported in the literature in individuals affected with EMC1-related conditions. Invitae Evidence Modeling of protein sequence and biophysical properties (such as structural, functional, and spatial information, amino acid conservation, physicochemical variation, residue mobility, and thermodynamic stability) indicates that this missense variant is not expected to disrupt EMC1 protein function with a negative predictive value of 80%. In summary, the available evidence is currently insufficient to determine the role of this variant in disease. Therefore, it has been classified as a Variant of Uncertain Significance.

NM_015047.3(EMC1):c.1453C>A (p.Leu485Met)

Genes: EMC1 (ER membrane protein complex subunit 1; minus strand), EMC1-AS1 (EMC1 antisense RNA 1; plus strand). Cytogenetic location: 1p36.13.
Variant type: single nucleotide variant.
Coding change: c.1453C>A on transcript NM_015047.3 (MANE Select); coding-DNA position 1453, C replaced by A.
Protein change: p.Leu485Met; replaces leucine 485 with methionine.
Molecular consequence: missense variant.
Genome position (GRCh38, 1-based): chr1:19,233,115, G>T on the plus strand (C>A on the coding strand, the complement: EMC1 is on the minus strand). VCF-style: chr1-19233115-G-T. GRCh37 (hg19) VCF-style: chr1-19559609-G-T.
Other names: c.1387C>A, p.Leu463Met (NM_001271429.2); c.1462C>A, p.Leu488Met (NM_001375820.1); c.1459C>A, p.Leu487Met (NM_001375821.1); c.1450C>A, p.Leu484Met (NM_001271427.2, NM_001271428.2); short protein forms L485M, L463M, L487M, L488M, L484M.
Identifiers: ClinVar variation 4774236 (VCV004774236.1).